The following is an entry in ClinVar:

NM_178857.6(RP1L1):c.672C>T (p.Ala224=)

Gene: RP1L1 (RP1 like 1). Cytogenetic location: 8p23.1.
Variant type: single nucleotide variant.
Coding change: c.672C>T on transcript NM_178857.6 (MANE Select); coding-DNA position 672, C replaced by T.
Protein change: p.Ala224=; no amino-acid change (alanine 224 retained).
Molecular consequence: synonymous variant.
Genome position (GRCh38, 1-based): chr8:10,616,525, G>A on the plus strand (C>T on the coding strand, the complement: RP1L1 is on the minus strand). VCF-style: chr8-10616525-G-A. GRCh37 (hg19) VCF-style: chr8-10474035-G-A.
Other names: c.672C>T (NM_178857.5).
Identifiers: ClinVar variation 2416932 (VCV002416932.7), dbSNP rs368792169, ClinGen allele CA4625508.
Genomic context (GRCh38, chr8:10,616,525, plus strand): 5'-CAGCCCAGATAAAGTTTCAGCCTCGCTTCTCCTGGCATTTTTCATGGCTGGGGTTCTGAA[G>A]GCCTCATGCCCGGCACACACCAGCACAGAGGGGCTGTGCAGCAGGGCCTGCAGCGAGTCC-3'
Protein context (NP_849188.4, residues 214-234): PSVLVCAGHE[Ala224=]FRTPAMKNAR

ClinVar aggregate classification (germline): Likely benign. Review status: criteria provided, multiple submitters, no conflicts (2 of 4 stars). 3 submissions from 3 submitters: Likely benign (3). Last evaluated 2025-09-08.

Conditions:
RP1L1-related disorder. Also called: RP1L1-related condition.

Allele frequency attached by ClinVar (database versions not stated): gnomAD exomes 0.00037; ExAC 0.00014; TOPMed 0.00014; gnomAD 0.00019; ESP Exome Variant Server 0.00025.
gnomAD v4.1: 559 of 1,614,044 alleles (0.035%); highest among the groups gnomAD compares: Non-Finnish European, 0.046%; no homozygotes.

Submissions (3):

Labcorp Genetics (formerly Invitae), Labcorp
Classification: Likely benign. Last evaluated: 2025-09-08. Review status: criteria provided, single submitter. Criteria: Invitae Variant Classification Sherloc (09022015). Collection method: clinical testing. Allele origin: germline.

PreventionGenetics, part of Exact Sciences
Classification: Likely benign for RP1L1-related condition. Last evaluated: 2025-07-02. Review status: criteria provided, single submitter. Criteria: ACMG Guidelines, 2015. Collection method: clinical testing. Allele origin: germline.
Comment: This variant is classified as likely benign based on ACMG/AMP sequence variant interpretation guidelines (Richards et al. 2015 PMID: 25741868, with internal and published modifications).

Blueprint Genetics
Classification: Likely benign. Last evaluated: 2024-10-04. Review status: criteria provided, single submitter. Criteria: ACMG Guidelines, 2015. Collection method: clinical testing. Allele origin: germline.